The following is an entry in ClinVar:

NM_004789.4(LHX2):c.306C>G (p.Cys102Trp)

Gene: LHX2 (LIM homeobox 2; plus strand). Cytogenetic location: 9q33.3.
Variant type: single nucleotide variant.
Coding change: c.306C>G on transcript NM_004789.4 (MANE Select); coding-DNA position 306, C replaced by G.
Protein change: p.Cys102Trp; replaces cysteine 102 with tryptophan.
Molecular consequence: missense variant.
Genome position (GRCh38, 1-based): chr9:124,014,146, C>G. VCF-style: chr9-124014146-C-G. GRCh37 (hg19) VCF-style: chr9-126776425-C-G.
Other names: short protein forms C102W.
Identifiers: ClinVar variation 3600974 (VCV003600974.2).

ClinVar aggregate classification (germline): Uncertain significance (1 of 4 stars; one submission).

Submission:

GeneDx
Classification: Uncertain significance. Last evaluated: 2026-01-09. Review status: criteria provided, single submitter. Criteria: GeneDx Variant Classification Process June 2021. Collection method: clinical testing. Allele origin: germline. Affected: yes.
Comment: Not observed at significant frequency in large population cohorts (gnomAD); In silico analysis supports that this missense variant has a deleterious effect on protein structure/function; Has not been previously published as pathogenic or benign to our knowledge